The following is an entry in ClinVar:

NM_000642.3(AGL):c.4514del (p.Asn1505fs)

Gene: AGL (amylo-alpha-1, 6-glucosidase, 4-alpha-glucanotransferase; plus strand). Cytogenetic location: 1p21.2.
Variant type: Deletion.
Coding change: c.4514del on transcript NM_000642.3 (MANE Select); coding-DNA position 4514, one base deleted (A; older notation c.4514delA).
Protein change: p.Asn1505fs; shifts the reading frame from asparagine 1505.
Molecular consequence: frameshift variant.
Genome position (GRCh38, 1-based): chr1:99,921,566, A deleted; the last of 2 consecutive A bases (chr1:99,921,565-99,921,566); deleting either gives the same sequence. VCF-style (leftmost placement, unchanged base first): chr1-99921564-CA-C. GRCh37 (hg19) VCF-style: chr1-100387120-CA-C.
Other names: c.4514delA, p.Asn1505Metfs (NM_000028.3, NM_000643.3, NM_000644.3 and 1 more transcripts); c.4466delA, p.Asn1489Metfs (NM_000646.3); c.4493delA, p.Asn1498Metfs (NM_001425326.1); c.4313delA, p.Asn1438Metfs (NM_001425327.1); c.4310delA, p.Asn1437Metfs (NM_001425328.1); c.4175delA, p.Asn1392Metfs (NM_001425329.1); c.4136delA, p.Asn1379Metfs (NM_001425332.1); short protein forms N1489fs, N1505fs.
Identifiers: ClinVar variation 1677017 (VCV001677017.1), dbSNP rs2100901643, ClinGen allele CA2573132635.

ClinVar aggregate classification (germline): Uncertain significance (1 of 4 stars; one submission).

Submission:

Women's Health and Genetics/Laboratory Corporation of America, LabCorp
Classification: Uncertain significance. Last evaluated: 2022-03-01. Review status: criteria provided, single submitter. Criteria: LabCorp Variant Classification Summary - May 2015. Collection method: clinical testing. Allele origin: germline.
Comment: Variant summary: AGL c.4514delA (p.Asn1505MetfsX42) causes a frameshift which results in an extension of the protein. A different variant resulting in a similar protein elongation has been reported in HGMD in association with Glycogen storage disease 3 (p.Cys1511Leufs*35). The variant was absent in 251082 control chromosomes. To our knowledge, no occurrence of c.4514delA in individuals affected with Glycogen Storage Disease Type III and no experimental evidence demonstrating its impact on protein function have been reported. No clinical diagnostic laboratories have submitted clinical-significance assessments for this variant to ClinVar after 2014. Based on the evidence outlined above and the unknown impact of this variant on protein function, the variant was classified as VUS.